The following is an entry in ClinVar:

NM_198525.3(KIF7):c.662_665dup (p.Val223fs)

Gene: KIF7 (kinesin family member 7; minus strand). Cytogenetic location: 15q26.1.
Variant type: Duplication.
Coding change: c.662_665dup on transcript NM_198525.3 (MANE Select); coding-DNA positions 662 to 665, 4 bases duplicated (TCAC; older notation c.662_665dupTCAC).
Protein change: p.Val223fs; shifts the reading frame from valine 223.
Molecular consequence: frameshift variant.
Genome position (GRCh38, 1-based): chr15:89,649,232-89,649,235, GTGA duplicated on the plus strand (TCAC on the coding strand, the reverse complement: KIF7 is on the minus strand). VCF-style (leftmost placement, unchanged base first): chr15-89649231-G-GGTGA. GRCh37 (hg19) VCF-style: chr15-90192462-G-GGTGA.
Other names: short protein forms V223fs.
Identifiers: ClinVar variation 2631446 (VCV002631446.1), dbSNP rs2505499561, ClinGen allele CA2695197364.
Genomic context (GRCh38, chr15:89,649,231, plus strand): 5'-CTGGCCCGGGGCGGGGCGGGGTAGGCGGCTGGGGGCGCGCCCCCGCTGCTCCAGGGTCAC[G>GGTGA]GTGAAGACCGTGTGTGAGCGGCTAGACAGGTGGTTGAGGTGCGTGGCTCCCGTGTGCCGC-3'

ClinVar aggregate classification (germline): Likely pathogenic (1 of 4 stars; one submission).

Conditions:
KIF7-related disorder. Also called: KIF7-related condition.

Submission:

PreventionGenetics, part of Exact Sciences
Classification: Likely pathogenic for KIF7-related condition. Last evaluated: 2023-08-10. Review status: criteria provided, single submitter. Criteria: ACMG Guidelines, 2015. Collection method: clinical testing. Allele origin: germline.
Comment: The KIF7 c.662_665dupTCAC variant is predicted to result in a frameshift and premature protein termination (p.Val223Hisfs*241). To our knowledge, this variant has not been reported in the literature or in a large population database, indicating this variant is rare. Frameshift variants in KIF7 are expected to be pathogenic. This variant is interpreted as likely pathogenic.